The following is an entry in ClinVar:

NM_005609.4(PYGM):c.-76A>G

Gene: PYGM (glycogen phosphorylase, muscle associated; minus strand). Cytogenetic location: 11q13.1.
Variant type: single nucleotide variant.
Coding change: c.-76A>G on transcript NM_005609.4 (MANE Select); 76 bases upstream of the start codon, A replaced by G.
Molecular consequence: 5 prime UTR variant.
Genome position (GRCh38, 1-based): chr11:64,759,974, T>C on the plus strand (A>G on the coding strand, the complement: PYGM is on the minus strand). VCF-style: chr11-64759974-T-C. GRCh37 (hg19) VCF-style: chr11-64527446-T-C.
Other names: c.-76A>G (NM_001164716.1).
Identifiers: ClinVar variation 878452 (VCV000878452.5), dbSNP rs139467558, ClinGen allele CA223889551.

ClinVar aggregate classification (germline): Benign. Review status: criteria provided, multiple submitters, no conflicts (2 of 4 stars). 2 submissions from 2 submitters: Benign (2). Last evaluated 2017-04-27.

Conditions:
Glycogen storage disease, type V (GSD5). Also called: MCARDLE DISEASE; MUSCLE GLYCOGEN PHOSPHORYLASE DEFICIENCY; MYOPHOSPHORYLASE DEFICIENCY; PYGM DEFICIENCY; McArdle type glycogen storage disease. Identifiers: Orphanet 368, MedGen C0017924, MONDO:0009293, OMIM 232600.

Allele frequency attached by ClinVar (database versions not stated): gnomAD 0.00015 and 0.00030; TOPMed 0.00045; 1000 Genomes Project 30x 0.00187; 1000 Genomes Project 0.00240.
gnomAD v4.1: 716 of 1,585,562 alleles (0.045%); highest among the groups gnomAD compares: East Asian, 1.4%; 8 homozygotes.

Submissions (2):

Illumina Laboratory Services, Illumina
Classification: Benign for Glycogen storage disease, type V. Last evaluated: 2017-04-27. Review status: criteria provided, single submitter. Criteria: ICSL Variant Classification Criteria 13 December 2019. Collection method: clinical testing. Allele origin: germline.
Comment: This variant was observed as part of a predisposition screen in an ostensibly healthy population. A literature search was performed for the gene, cDNA change, and amino acid change (where applicable). No publications were found based on this search. Allele frequency data from public databases was too high to be consistent with this variant causing disease. Therefore, this variant is classified as benign.

Breakthrough Genomics
Classification: Benign. Review status: criteria provided, single submitter. Criteria: ACMG Guidelines, 2015. Collection method: not provided. Allele origin: germline. Inheritance: Autosomal recessive inheritance. Affected: yes.